The following is an entry in ClinVar:

NM_005309.3(GPT):c.1354G>C (p.Val452Leu)

Gene: GPT (glutamic--pyruvic transaminase; plus strand). Cytogenetic location: 8q24.3.
Variant type: single nucleotide variant.
Coding change: c.1354G>C on transcript NM_005309.3 (MANE Select); coding-DNA position 1354, G replaced by C.
Protein change: p.Val452Leu; replaces valine 452 with leucine.
Molecular consequence: missense variant.
Genome position (GRCh38, 1-based): chr8:144,506,797, G>C. VCF-style: chr8-144506797-G-C. GRCh37 (hg19) VCF-style: chr8-145732180-G-C.
Other names: short protein forms V452L.
Identifiers: ClinVar variation 717394 (VCV000717394.25), dbSNP rs147998249, ClinGen allele CA4947052.

ClinVar aggregate classification (germline): Benign/Likely benign. Review status: criteria provided, multiple submitters, no conflicts (2 of 4 stars). 2 submissions from 2 submitters: Benign (1); Likely benign (1). Last evaluated 2024-01-01.

Allele frequency attached by ClinVar (database versions not stated): 1000 Genomes Project 30x 0.00109; 1000 Genomes Project 0.00120; TOPMed 0.00127; ESP Exome Variant Server 0.00162; gnomAD exomes 0.00277 and 0.00441; gnomAD 0.00359 and 0.00381; ExAC 0.00390.
gnomAD v4.1: 4,574 of 1,612,666 alleles (0.28%); highest among the groups gnomAD compares: Middle Eastern, 0.33%; 30 homozygotes.

Submissions (2):

CeGaT Center for Human Genetics Tuebingen
Classification: Likely benign. Last evaluated: 2024-01-01. Review status: criteria provided, single submitter. Criteria: CeGaT Center For Human Genetics Tuebingen Variant Classification Criteria Version 2. Collection method: clinical testing. Allele origin: germline. Affected: yes. Observed: 1 variant allele.
Comment: GPT: BS2

Labcorp Genetics (formerly Invitae), Labcorp
Classification: Benign. Last evaluated: 2018-08-14. Review status: criteria provided, single submitter. Criteria: Invitae Variant Classification Sherloc (09022015). Collection method: clinical testing. Allele origin: germline.